The following is an entry in ClinVar:

NM_001042492.3(NF1):c.7865_7868dup (p.Ala2624fs)

Gene: NF1 (neurofibromin 1; plus strand). Cytogenetic location: 17q11.2.
Variant type: Duplication.
Coding change: c.7865_7868dup on transcript NM_001042492.3 (MANE Select); coding-DNA positions 7865 to 7868, 4 bases duplicated (TTCT; older notation c.7865_7868dupTTCT).
Protein change: p.Ala2624fs; shifts the reading frame from alanine 2624.
Molecular consequence: frameshift variant.
Genome position (GRCh38, 1-based): chr17:31,357,086-31,357,089, TTCT duplicated. VCF-style (leftmost placement, unchanged base first): chr17-31357085-G-GTTCT. GRCh37 (hg19) VCF-style: chr17-29684103-G-GTTCT.
Other names: c.7802_7805dup, p.Ala2603Serfs (NM_000267.4); short protein forms A2603fs, A2624fs.
Identifiers: ClinVar variation 2071926 (VCV002071926.4), dbSNP rs2508828157, ClinGen allele CA2580093458.

ClinVar aggregate classification (germline): Pathogenic (1 of 4 stars; one submission).

Conditions:
Neurofibromatosis, type 1 (NF1). Also called: NEUROFIBROMATOSIS, TYPE I, SOMATIC; VON RECKLINGHAUSEN DISEASE; Peripheral type neurofibromatosis; Neurofibromatosis, type I. Identifiers: Orphanet 636, MedGen C0027831, MONDO:0018975, OMIM 162200. Disease mechanism: loss of function.

Submission:

Labcorp Genetics (formerly Invitae), Labcorp
Classification: Pathogenic for Neurofibromatosis, type 1. Last evaluated: 2022-01-03. Review status: criteria provided, single submitter. Criteria: Invitae Variant Classification Sherloc (09022015). Collection method: clinical testing. Allele origin: germline.
Comment: This variant is not present in population databases (gnomAD no frequency). This sequence change creates a premature translational stop signal (p.Ala2603Serfs*11) in the NF1 gene. It is expected to result in an absent or disrupted protein product. Loss-of-function variants in NF1 are known to be pathogenic (PMID: 10712197, 23913538). This variant has not been reported in the literature in individuals affected with NF1-related conditions. For these reasons, this variant has been classified as Pathogenic.

Literature cited by the submitters: PubMed 10712197; PubMed 23913538.